The following is an entry in ClinVar:

NM_199127.3(GGTLC2):c.176+4G>A

Genes: GGTLC2 (gamma-glutamyltransferase light chain 2; plus strand), IGL (immunoglobulin lambda locus; plus strand). Cytogenetic location: 22q11.22.
Variant type: single nucleotide variant.
Coding change: c.176+4G>A on transcript NM_199127.3 (MANE Select); 4 bases into the intron after coding-DNA position 176, G replaced by A.
Molecular consequence: intron variant.
Genome position (GRCh38, 1-based): chr22:22,646,525, G>A. VCF-style: chr22-22646525-G-A. GRCh37 (hg19) VCF-style: chr22-22988995-G-A.
Other names: c.176+4G>A (NM_001391910.1, NM_001391911.1, NM_001282879.2).
Identifiers: ClinVar variation 3025577 (VCV003025577.22), dbSNP rs772220401, ClinGen allele CA10133153.
Genomic context (GRCh38, chr22:22,646,525, plus strand): 5'-GTCTGTCGTCGCAGAGGACGGCAGTGCTGTGTCCGCCACCAGCACCATCAACCTCTAGTA[G>A]GGGCTGCTGGGCCGCCTGGGTGGGAAAGGGCCAGGGGCGGGTGGCCCAGGGACTGCCCAC-3'

ClinVar aggregate classification (germline): Likely benign (1 of 4 stars; one submission).

Allele frequency attached by ClinVar (database versions not stated): gnomAD 0.00002; TOPMed 0.00003; gnomAD exomes 0.00014; ExAC 0.00020.

Submission:

CeGaT Center for Human Genetics Tuebingen
Classification: Likely benign. Last evaluated: 2024-01-01. Review status: criteria provided, single submitter. Criteria: CeGaT Center For Human Genetics Tuebingen Variant Classification Criteria Version 2. Collection method: clinical testing. Allele origin: germline. Affected: yes. Observed: 1 variant allele.
Comment: GGTLC2: BP4